The following is an entry in ClinVar:

NM_001368397.1(FRMPD4):c.4013G>C (p.Trp1338Ser)

Gene: FRMPD4 (FERM and PDZ domain containing 4; plus strand). Cytogenetic location: Xp22.2.
Variant type: single nucleotide variant.
Coding change: c.4013G>C on transcript NM_001368397.1 (MANE Select); coding-DNA position 4013, G replaced by C.
Protein change: p.Trp1338Ser; replaces tryptophan 1338 with serine.
Molecular consequence: missense variant. On other transcripts: 3 prime UTR variant (6).
Genome position (GRCh38, 1-based): chrX:12,720,582, G>C. VCF-style: chrX-12720582-G-C. GRCh37 (hg19) VCF-style: chrX-12738701-G-C.
Other names: c.4124G>C, p.Trp1375Ser (NM_001368395.3); c.4019G>C, p.Trp1340Ser (NM_001368396.3); c.*49G>C (NM_001368398.3, NM_001368399.3, NM_001368400.3 and 3 more transcripts); short protein forms W1338S, W1340S, W1375S.
Identifiers: ClinVar variation 5017263 (VCV005017263.1).

ClinVar aggregate classification (germline): Uncertain significance (1 of 4 stars; one submission).

gnomAD v4.1: 2 of 1,201,701 alleles (0.00017%); highest among the groups gnomAD compares: Non-Finnish European, 0.00023%; no homozygotes.

Submission:

GeneDx
Classification: Uncertain significance. Last evaluated: 2026-03-30. Review status: criteria provided, single submitter. Criteria: GeneDx Variant Classification Process June 2021. Collection method: clinical testing. Allele origin: germline.
Comment: Not observed at significant frequency in large population cohorts (gnomAD); Has not been previously published as pathogenic or benign to our knowledge; Reported using an alternate transcript of the gene; In silico analysis does not support a benign or deleterious effect of this variant on protein structure/function